The following is an entry in ClinVar:

NM_001376571.1(MADD):c.2486G>A (p.Ser829Asn)

Gene: MADD (MAP kinase activating death domain; plus strand). Cytogenetic location: 11p11.2.
Variant type: single nucleotide variant.
Coding change: c.2486G>A on transcript NM_001376571.1 (MANE Select); coding-DNA position 2486, G replaced by A.
Protein change: p.Ser829Asn; replaces serine 829 with asparagine.
Molecular consequence: missense variant. On other transcripts: non-coding transcript variant (8).
Genome position (GRCh38, 1-based): chr11:47,285,525, G>A. VCF-style: chr11-47285525-G-A. GRCh37 (hg19) VCF-style: chr11-47307076-G-A.
Other names: c.2486G>A, p.Ser829Asn (NM_001376600.1, NM_001376601.1, NM_001376605.1 and 31 more transcripts); c.2333G>A, p.Ser778Asn (NM_001376602.1); c.2357G>A, p.Ser786Asn (NM_001376603.1, NM_001376604.1, NM_001376607.1 and 41 more transcripts); c.2282G>A, p.Ser761Asn (NM_001376620.1, NM_001376626.1, NM_001376657.1 and 1 more transcripts); c.2153G>A, p.Ser718Asn (NM_001376627.1, NM_001376644.1, NM_001376646.1 and 5 more transcripts); c.1820G>A, p.Ser607Asn (NM_001376663.1); c.2459G>A, p.Ser820Asn (NM_001376578.1, NM_001376631.1); c.2330G>A, p.Ser777Asn (NM_001376632.1, NM_001376649.1); short protein forms S607N, S718N, S761N, S777N, S778N, S786N, S820N, S829N.
Identifiers: ClinVar variation 2629854 (VCV002629854.1), dbSNP rs372797572, ClinGen allele CA5974452.

ClinVar aggregate classification (germline): Uncertain significance (1 of 4 stars; one submission).

Conditions:
MADD-related disorder. Also called: MADD-related condition; MADD-Related Disorders.

Allele frequency attached by ClinVar (database versions not stated): ExAC 0.00001; ESP Exome Variant Server 0.00008.
gnomAD v4.1: 52 of 1,614,180 alleles (0.0032%); highest among the groups gnomAD compares: Non-Finnish European, 0.0043%; no homozygotes.

Submission:

PreventionGenetics, part of Exact Sciences
Classification: Uncertain significance for MADD-related condition. Last evaluated: 2023-07-12. Review status: criteria provided, single submitter. Criteria: ACMG Guidelines, 2015. Collection method: clinical testing. Allele origin: germline.
Comment: The MADD c.2486G>A variant is predicted to result in the amino acid substitution p.Ser829Asn. To our knowledge, this variant has not been reported in the literature. This variant is reported in 0.0026% of alleles in individuals of European (Non-Finnish) descent in gnomAD. At this time, the clinical significance of this variant is uncertain due to the absence of conclusive functional and genetic evidence.